The following is an entry in ClinVar:

ClinVar aggregate classification (germline): Likely benign (1 of 4 stars; one submission).

Allele frequency attached by ClinVar (database versions not stated): gnomAD 0.00010; ESP Exome Variant Server 0.00016.
gnomAD v4.1: 232 of 1,612,970 alleles (0.014%); highest among the groups gnomAD compares: Non-Finnish European, 0.018%; no homozygotes.

Submission:

CeGaT Center for Human Genetics Tuebingen
Classification: Likely benign. Last evaluated: 2023-02-01. Review status: criteria provided, single submitter. Criteria: CeGaT Center For Human Genetics Tuebingen Variant Classification Criteria Version 2. Collection method: clinical testing. Allele origin: germline. Affected: yes. Observed: 1 variant allele.
Comment: ABCC1: BP4, BP7

NM_004996.4(ABCC1):c.4377C>T (p.Ala1459=)

Gene: ABCC1 (ATP binding cassette subfamily C member 1 (ABCC1 blood group); plus strand). Cytogenetic location: 16p13.11.
Variant type: single nucleotide variant.
Coding change: c.4377C>T on transcript NM_004996.4 (MANE Select); coding-DNA position 4377, C replaced by T.
Protein change: p.Ala1459=; no amino-acid change (alanine 1459 retained).
Molecular consequence: synonymous variant.
Genome position (GRCh38, 1-based): chr16:16,138,448, C>T. VCF-style: chr16-16138448-C-T. GRCh37 (hg19) VCF-style: chr16-16232305-C-T.
Other names: c.4200C>T, p.Ala1400= (NM_019862.3).
Identifiers: ClinVar variation 2646261 (VCV002646261.24), dbSNP rs201385399, ClinGen allele CA7925053.